The following is an entry in ClinVar:

ClinVar aggregate classification (germline): Uncertain significance (1 of 4 stars; one submission).

Allele frequency attached by ClinVar (database versions not stated): gnomAD 0.00001.
gnomAD v4.1: 2 of 1,613,966 alleles (0.00012%); highest among the groups gnomAD compares: African/African-American, 0.0027%; no homozygotes.

Submission:

Labcorp Genetics (formerly Invitae), Labcorp
Classification: Uncertain significance. Last evaluated: 2021-01-18. Review status: criteria provided, single submitter. Criteria: Invitae Variant Classification Sherloc (09022015). Collection method: clinical testing. Allele origin: germline.
Comment: In summary, the available evidence is currently insufficient to determine the role of this variant in disease. Therefore, it has been classified as a Variant of Uncertain Significance. Algorithms developed to predict the effect of missense changes on protein structure and function output the following: SIFT: "Deleterious"; PolyPhen-2: "Benign"; Align-GVGD: "Class C0". The glycine amino acid residue is found in multiple mammalian species, suggesting that this missense change does not adversely affect protein function. These predictions have not been confirmed by published functional studies and their clinical significance is uncertain. This variant has not been reported in the literature in individuals with PCARE-related conditions. This variant is not present in population databases (ExAC no frequency). This sequence change replaces arginine with glycine at codon 530 of the PCARE protein (p.Arg530Gly). The arginine residue is moderately conserved and there is a moderate physicochemical difference between arginine and glycine.

NM_001029883.3(PCARE):c.1588A>G (p.Arg530Gly)

Gene: PCARE (photoreceptor cilium actin regulator; minus strand). Cytogenetic location: 2p23.2.
Variant type: single nucleotide variant.
Coding change: c.1588A>G on transcript NM_001029883.3 (MANE Select); coding-DNA position 1588, A replaced by G.
Protein change: p.Arg530Gly; replaces arginine 530 with glycine.
Molecular consequence: missense variant.
Genome position (GRCh38, 1-based): chr2:29,072,674, T>C on the plus strand (A>G on the coding strand, the complement: PCARE is on the minus strand). VCF-style: chr2-29072674-T-C. GRCh37 (hg19) VCF-style: chr2-29295540-T-C.
Other names: short protein forms R530G.
Identifiers: ClinVar variation 1493581 (VCV001493581.6), dbSNP rs1667512218, ClinGen allele CA346479348.